The following is an entry in ClinVar:

ClinVar aggregate classification (germline): Likely pathogenic (1 of 4 stars; one submission).

Conditions:
Dilated cardiomyopathy 1G (CMD1G). Identifiers: Orphanet 154, MedGen C1858763, MONDO:0011400, OMIM 604145.
Autosomal recessive limb-girdle muscular dystrophy type 2J (LGMDR10). Also called: Limb-girdle muscular dystrophy, type 2J; MUSCULAR DYSTROPHY, LIMB-GIRDLE, AUTOSOMAL RECESSIVE 10. Identifiers: Orphanet 140922, MedGen C1837342, MONDO:0012127, OMIM 608807.

Submission:

Labcorp Genetics (formerly Invitae), Labcorp
Classification: Likely pathogenic for Dilated cardiomyopathy 1G; Autosomal recessive limb-girdle muscular dystrophy type 2J. Last evaluated: 2023-12-19. Review status: criteria provided, single submitter. Criteria: Invitae Variant Classification Sherloc (09022015). Collection method: clinical testing. Allele origin: germline.
Comment: This sequence change creates a premature translational stop signal (p.Leu33341Phefs*10) in the TTN gene. While this is not anticipated to result in nonsense mediated decay, it is expected to create a truncated TTN protein. This variant is not present in population databases (gnomAD no frequency). This premature translational stop signal has been observed in individual(s) with clinical features of dilated cardiomyopathy (Invitae). Algorithms developed to predict the effect of sequence changes on RNA splicing suggest that this variant may create or strengthen a splice site. This variant is located in the A band of TTN (PMID: 25589632). Truncating variants in this region are significantly overrepresented in patients affected with dilated cardiomyopathy (PMID: 25589632). Truncating variants in this region have also been reported in individuals affected with autosomal recessive centronuclear myopathy (PMID: 23975875). In summary, the currently available evidence indicates that the variant is pathogenic, but additional data are needed to prove that conclusively. Therefore, this variant has been classified as Likely Pathogenic.

Literature cited by the submitters: PubMed 25589632; PubMed 23975875.

NM_001267550.2(TTN):c.100018_100022dup (p.Leu33341fs)

Genes: TTN (titin; minus strand), TTN-AS1 (TTN antisense RNA 1; plus strand), LOC126806420 (BRD4-independent group 4 enhancer GRCh37_chr2:179401104-179402303; plus strand). Cytogenetic location: 2q31.2.
Variant type: Duplication.
Coding change: c.100018_100022dup on transcript NM_001267550.2 (MANE Select); coding-DNA positions 100018 to 100022, 5 bases duplicated (CAATT; older notation c.100018_100022dupCAATT).
Protein change: p.Leu33341fs; shifts the reading frame from leucine 33341.
Molecular consequence: frameshift variant.
Genome position (GRCh38, 1-based): chr2:178,537,087-178,537,091, AATTG duplicated on the plus strand (CAATT on the coding strand, the reverse complement: TTN is on the minus strand). VCF-style (leftmost placement, unchanged base first): chr2-178537086-C-CAATTG. GRCh37 (hg19) VCF-style: chr2-179401813-C-CAATTG.
Other names: c.95095_95099dup, p.Leu31700fs (NM_001256850.1); c.72823_72827dup, p.Leu24276fs (NM_003319.4); c.92314_92318dup, p.Leu30773fs (NM_133378.4); c.73198_73202dup, p.Leu24401fs (NM_133432.3); c.73399_73403dup, p.Leu24468fs (NM_133437.4); short protein forms L31700fs, L24468fs, L30773fs, L24276fs, L33341fs, L24401fs.
Identifiers: ClinVar variation 2921561 (VCV002921561.3), dbSNP rs2468655276, ClinGen allele CA2740096323.